The following is an entry in ClinVar:

NM_000219.6(KCNE1):c.375G>C (p.Thr125=)

Gene: KCNE1 (potassium voltage-gated channel subfamily E regulatory subunit 1; minus strand). Cytogenetic location: 21q22.12.
Variant type: single nucleotide variant.
Coding change: c.375G>C on transcript NM_000219.6 (MANE Select); coding-DNA position 375, G replaced by C.
Protein change: p.Thr125=; no amino-acid change (threonine 125 retained).
Molecular consequence: synonymous variant.
Genome position (GRCh38, 1-based): chr21:34,449,260, C>G on the plus strand (G>C on the coding strand, the complement: KCNE1 is on the minus strand). VCF-style: chr21-34449260-C-G. GRCh37 (hg19) VCF-style: chr21-35821558-C-G.
Other names: c.375G>C, p.Thr125= (NM_001127668.4, NM_001127669.4, NM_001127670.4 and 4 more transcripts).
Identifiers: ClinVar variation 3373855 (VCV003373855.2).

Conditions:
Long QT syndrome 5 (LQT5). Identifiers: Orphanet 101016, Orphanet 768, MedGen C1867904, MONDO:0013372, OMIM 613695.

Submission:

Roden Lab, Vanderbilt University Medical Center
No classification provided (evidence only). Condition: Long QT syndrome 5. Review status: no classification provided. Collection method: in vitro. Allele origin: not applicable. Functional consequence: Effect on ion channel function.
ClinVar note: "not provided" was previously submitted as the classification for the variant. However, the classification appeared to be based only on an observation of functional data so it was converted to no classification on 2025-07-30.